The following is an entry in ClinVar:

NM_000096.4(CP):c.2522C>G (p.Thr841Arg)

Gene: CP (ceruloplasmin; minus strand). Cytogenetic location: 3q24.
Variant type: single nucleotide variant.
Coding change: c.2522C>G on transcript NM_000096.4 (MANE Select); coding-DNA position 2522, C replaced by G.
Protein change: p.Thr841Arg; replaces threonine 841 with arginine.
Molecular consequence: missense variant. On other transcripts: non-coding transcript variant (1).
Genome position (GRCh38, 1-based): chr3:149,182,037, G>C on the plus strand (C>G on the coding strand, the complement: CP is on the minus strand). VCF-style: chr3-149182037-G-C. GRCh37 (hg19) VCF-style: chr3-148899824-G-C.
Other names: p.Thr841Arg; short protein forms T841R.
Identifiers: ClinVar variation 284863 (VCV000284863.75), dbSNP rs56033670, ClinGen allele CA2660742.

ClinVar aggregate classification (germline): Benign/Likely benign. Review status: criteria provided, multiple submitters, no conflicts (2 of 4 stars). 13 submissions from 13 submitters: Benign (3); Likely benign (6). 4 of the submissions do not count toward it. Last evaluated 2026-08-01.

Conditions:
CP-related disorder. Also called: CP-related condition.
Deficiency of ferroxidase (ACEP). Also called: Deficiency of ceruloplasmin; NEURODEGENERATION WITH BRAIN IRON ACCUMULATION 10; Ceruloplasmin deficiency; Familial apoceruloplasmin deficiency; Hereditary ceruloplasmin deficiency; Aceruloplasminemia. Identifiers: Orphanet 48818, MedGen C0878682, MONDO:0011426, OMIM 604290, HP:0025498.

Allele frequency attached by ClinVar (database versions not stated): 1000 Genomes Project 30x 0.00219; 1000 Genomes Project 0.00240; ExAC 0.00381; TOPMed 0.00410; gnomAD exomes 0.00428 and 0.00504; gnomAD 0.00435 and 0.00436; ESP Exome Variant Server 0.00454.
gnomAD v4.1: 8,005 of 1,588,296 alleles (0.5%); highest among the groups gnomAD compares: Middle Eastern, 1.1%; 36 homozygotes.

Submissions (13):

CeGaT Center for Human Genetics Tuebingen
Classification: Likely benign. Last evaluated: 2026-08-01. Review status: criteria provided, single submitter. Criteria: CeGaT Center For Human Genetics Tuebingen Variant Classification Criteria Version 2. Collection method: clinical testing. Allele origin: germline. Affected: yes. Observed: 20 variant alleles.
Comment: CP: BS2

Labcorp Genetics (formerly Invitae), Labcorp
Classification: Benign for Deficiency of ferroxidase. Last evaluated: 2026-02-04. Review status: criteria provided, single submitter. Criteria: Invitae Variant Classification Sherloc (09022015). Collection method: clinical testing. Allele origin: germline.

Mayo Clinic Laboratories, Mayo Clinic
Classification: Benign. Last evaluated: 2023-04-03. Review status: criteria provided, single submitter. Criteria: ACMG Guidelines, 2015. Collection method: clinical testing. Allele origin: germline. Observed: 14 variant alleles.
Comment: BS1, BS2

Fulgent Genetics
Classification: Likely benign for Deficiency of ferroxidase. Last evaluated: 2021-11-03. Review status: criteria provided, single submitter. Criteria: ACMG Guidelines, 2015. Collection method: clinical testing. Allele origin: unknown.

Department of Pathology and Laboratory Medicine, Sinai Health System
Classification: Likely benign for aceruloplasminemia. Last evaluated: 2021-07-30. Review status: criteria provided, single submitter. Criteria: ACMG Guidelines, 2015. Collection method: research. Allele origin: germline.

Genetic Services Laboratory, University of Chicago
Classification: Likely benign. Last evaluated: 2019-11-21. Review status: criteria provided, single submitter. Criteria: ACMG Guidelines, 2015. Collection method: clinical testing. Allele origin: germline. Affected: no.

GeneDx
Classification: Benign. Last evaluated: 2018-11-12. Review status: criteria provided, single submitter. Criteria: GeneDx Variant Classification Process June 2021. Collection method: clinical testing. Allele origin: germline. Affected: yes.

Illumina Laboratory Services, Illumina
Classification: Likely benign for Deficiency of ferroxidase. Last evaluated: 2018-01-12. Review status: criteria provided, single submitter. Criteria: ICSL Variant Classification Criteria 13 December 2019. Collection method: clinical testing. Allele origin: germline.
Comment: This variant was observed in the ICSL laboratory as part of a predisposition screen in an ostensibly healthy population. It had not been previously curated by ICSL or reported in the Human Gene Mutation Database (HGMD: prior to June 1st, 2018), and was therefore a candidate for classification through an automated scoring system. Utilizing variant allele frequency, disease prevalence and penetrance estimates, and inheritance mode, an automated score was calculated to assess if this variant is too frequent to cause the disease. Based on the score and internal cut-off values, a variant classified as likely benign is not then subjected to further curation. The score for this variant resulted in a classification of likely benign for this disease.

Eurofins Ntd Llc (ga)
Classification: Likely benign. Last evaluated: 2016-01-28. Review status: criteria provided, single submitter. Criteria: EGL Classification Definitions 2015. Collection method: clinical testing. Allele origin: germline. Observed: 1 variant allele, 1 heterozygote.

PreventionGenetics, part of Exact Sciences
Classification: Benign for CP-related condition. Last evaluated: 2021-03-26. Review status: no assertion criteria provided. Collection method: clinical testing. Allele origin: germline. Not counted in ClinVar's aggregate classification.
Comment: This variant is classified as benign based on ACMG/AMP sequence variant interpretation guidelines (Richards et al. 2015 PMID: 25741868, with internal and published modifications).

Clinical Genetics DNA and cytogenetics Diagnostics Lab, Erasmus MC, Erasmus Medical Center
Classification: Likely benign. Review status: no assertion criteria provided. Collection method: clinical testing. Allele origin: germline. Affected: yes. Study: VKGL Data-share Consensus. Not counted in ClinVar's aggregate classification.

Diagnostic Laboratory, Department of Genetics, University Medical Center Groningen
Classification: Likely benign. Review status: no assertion criteria provided. Collection method: clinical testing. Allele origin: germline. Affected: yes. Study: VKGL Data-share Consensus. Not counted in ClinVar's aggregate classification.

Genome Diagnostics Laboratory, Amsterdam University Medical Center
Classification: Benign. Review status: no assertion criteria provided. Collection method: clinical testing. Allele origin: germline. Affected: yes. Study: VKGL Data-share Consensus. Not counted in ClinVar's aggregate classification.